The following is an entry in ClinVar:

ClinVar aggregate classification (germline): Uncertain significance (1 of 4 stars; one submission).

Conditions:
CHARGE syndrome (CHARGE). Also called: Hittner Hirsch Kreh syndrome; CHARGE ASSOCIATION--COLOBOMA, HEART ANOMALY, CHOANAL ATRESIA, RETARDATION, GENITAL AND EAR ANOMALIES; Coloboma, heart anomaly, choanal atresia, retardation, genital and ear anomalies; CHARGE association; Hall-Hittner syndrome. Identifiers: Orphanet 138, MedGen C0265354, MONDO:0008965.

gnomAD v4.1: 1 of 1,613,946 alleles (0.000062%); highest among the groups gnomAD compares: African/African-American, 0.0013%; no homozygotes.

Submission:

Labcorp Genetics (formerly Invitae), Labcorp
Classification: Uncertain significance for CHARGE syndrome. Last evaluated: 2023-11-25. Review status: criteria provided, single submitter. Criteria: Invitae Variant Classification Sherloc (09022015). Collection method: clinical testing. Allele origin: germline.
Comment: This sequence change replaces leucine, which is neutral and non-polar, with methionine, which is neutral and non-polar, at codon 1647 of the CHD7 protein (p.Leu1647Met). This variant is not present in population databases (gnomAD no frequency). This variant has not been reported in the literature in individuals affected with CHD7-related conditions. ClinVar contains an entry for this variant (Variation ID: 1365587). Advanced modeling of protein sequence and biophysical properties (such as structural, functional, and spatial information, amino acid conservation, physicochemical variation, residue mobility, and thermodynamic stability) has been performed at Invitae for this missense variant, however the output from this modeling did not meet the statistical confidence thresholds required to predict the impact of this variant on CHD7 protein function. In summary, the available evidence is currently insufficient to determine the role of this variant in disease. Therefore, it has been classified as a Variant of Uncertain Significance.

NM_017780.4(CHD7):c.4939C>A (p.Leu1647Met)

Gene: CHD7 (chromodomain helicase DNA binding protein 7; plus strand). Cytogenetic location: 8q12.2.
Variant type: single nucleotide variant.
Coding change: c.4939C>A on transcript NM_017780.4 (MANE Select); coding-DNA position 4939, C replaced by A.
Protein change: p.Leu1647Met; replaces leucine 1647 with methionine.
Molecular consequence: missense variant. On other transcripts: intron variant (1).
Genome position (GRCh38, 1-based): chr8:60,844,952, C>A. VCF-style: chr8-60844952-C-A. GRCh37 (hg19) VCF-style: chr8-61757511-C-A.
Other names: c.1717-17277C>A (NM_001316690.1); short protein forms L1647M.
Identifiers: ClinVar variation 1365587 (VCV001365587.6), dbSNP rs913573032, ClinGen allele CA371319914.
Genomic context (GRCh38, chr8:60,844,952, plus strand): 5'-CACGGACGCTATAAACGCCAACTCACTGAGCAAGATGTAGAAACCATCTGCAGAACCATC[C>A]TGGTGTACTGTCTTAATCATTACAAAGGGGATGAGAATATCAAAAGCTTCATCTGGGATC-3'
Protein context (NP_060250.2, residues 1637-1657): QDVETICRTI[Leu1647Met]VYCLNHYKGD